The following is an entry in ClinVar:

NM_000093.5(COL5A1):c.2066C>T (p.Pro689Leu)

Gene: COL5A1 (collagen type V alpha 1 chain; plus strand). Cytogenetic location: 9q34.3.
Variant type: single nucleotide variant.
Coding change: c.2066C>T on transcript NM_000093.5 (MANE Select); coding-DNA position 2066, C replaced by T.
Protein change: p.Pro689Leu; replaces proline 689 with leucine.
Molecular consequence: missense variant.
Genome position (GRCh38, 1-based): chr9:134,765,712, C>T. VCF-style: chr9-134765712-C-T. GRCh37 (hg19) VCF-style: chr9-137657558-C-T.
Other names: c.2066C>T, p.Pro689Leu (NM_001278074.1); c.2066C>T (NM_000093.3); short protein forms P689L.
Identifiers: ClinVar variation 1518891 (VCV001518891.9), dbSNP rs1389473144, ClinGen allele CA375447074.

ClinVar aggregate classification (germline): Conflicting classifications of pathogenicity. Review status: criteria provided, conflicting classifications (1 of 4 stars). 2 submissions from 2 submitters: Uncertain significance (1); Benign (1). Last evaluated 2024-03-23.

Conditions:
Ehlers-Danlos syndrome, classic type, 1 (EDSCL1). Also called: EHLERS-DANLOS SYNDROME, GRAVIS TYPE; EHLERS-DANLOS SYNDROME, SEVERE CLASSIC TYPE; Ehlers-Danlos syndrome, type 1; Ehlers-Danlos Syndrome, Classic Type, COL5A1-Related; EDS I. Identifiers: MedGen C0268335, MONDO:0019567, OMIM 130000.

Allele frequency attached by ClinVar (database versions not stated): gnomAD exomes below 0.00001; gnomAD 0.00001; TOPMed below 0.00001.
gnomAD v4.1: 5 of 1,613,488 alleles (0.00031%); highest among the groups gnomAD compares: Admixed American, 0.0017%; no homozygotes.

Submissions (2):

Labcorp Genetics (formerly Invitae), Labcorp
Classification: Benign for Ehlers-Danlos syndrome, classic type, 1. Last evaluated: 2024-03-23. Review status: criteria provided, single submitter. Criteria: Invitae Variant Classification Sherloc (09022015). Collection method: clinical testing. Allele origin: germline.

GeneDx
Classification: Uncertain significance. Last evaluated: 2023-04-05. Review status: criteria provided, single submitter. Criteria: GeneDx Variant Classification Process June 2021. Collection method: clinical testing. Allele origin: germline. Affected: yes.
Comment: Has not been previously published as pathogenic or benign to our knowledge; Not observed at significant frequency in large population cohorts (gnomAD); In silico analysis supports that this missense variant has a deleterious effect on protein structure/function; Occurs in the triple helical domain at the X position in the canonical Gly-X-Y repeat; although this variant may have an effect on normal protein folding and function, missense substitution at the X position is not a common mechanism of disease (Symoens et al., 2012; HGMD); This variant is associated with the following publications: (PMID: 22696272)